The following is an entry in ClinVar:

ClinVar aggregate classification (germline): Conflicting classifications of pathogenicity. Review status: criteria provided, conflicting classifications (1 of 4 stars). 9 submissions from 9 submitters: Pathogenic (4); Likely pathogenic (2); Uncertain significance (2). 1 of the submissions does not count toward it. Last evaluated 2026-02-02.

Conditions:
Argininosuccinate lyase deficiency. Also called: ASL DEFICIENCY; ARGININOSUCCINIC ACID LYASE DEFICIENCY; Argininosuccinic aciduria. Identifiers: Orphanet 23, MedGen C0268547, MONDO:0008815, OMIM 207900, HP:0025630.

Allele frequency attached by ClinVar (database versions not stated): ExAC 0.00004; TOPMed 0.00007; ESP Exome Variant Server 0.00008; gnomAD 0.00008 and 0.00009.

Submissions (9):

Labcorp Genetics (formerly Invitae), Labcorp
Classification: Pathogenic for Argininosuccinate lyase deficiency. Last evaluated: 2026-02-02. Review status: criteria provided, single submitter. Criteria: Invitae Variant Classification Sherloc (09022015). Collection method: clinical testing. Allele origin: germline.
Comment: This sequence change replaces arginine, which is basic and polar, with tryptophan, which is neutral and slightly polar, at codon 191 of the ASL protein (p.Arg191Trp). This variant is present in population databases (rs143508372, gnomAD 0.01%). This missense change has been observed in individuals with a positive newborn screening result for ASL-related disease and argininosuccinic aciduria (PMID: 21744316, 24166829, 31943503). ClinVar contains an entry for this variant (Variation ID: 445881). Invitae Evidence Modeling of protein sequence and biophysical properties (such as structural, functional, and spatial information, amino acid conservation, physicochemical variation, residue mobility, and thermodynamic stability) has been performed for this missense variant. However, the output from this modeling did not meet the statistical confidence thresholds required to predict the impact of this variant on ASL protein function. Experimental studies have shown that this missense change affects ASL function (PMID: 31943503). This variant disrupts the p.Arg191 amino acid residue in ASL. Other variant(s) that disrupt this residue have been observed in individuals with ASL-related conditions (internal data), which suggests that this may be a clinically significant amino acid residue. For these reasons, this variant has been classified as Pathogenic.

Fulgent Genetics
Classification: Likely pathogenic for Argininosuccinate lyase deficiency. Last evaluated: 2024-06-19. Review status: criteria provided, single submitter. Criteria: ACMG Guidelines, 2015. Collection method: clinical testing. Allele origin: germline.

Baylor Genetics
Classification: Pathogenic for Argininosuccinate lyase deficiency. Last evaluated: 2024-03-26. Review status: criteria provided, single submitter. Criteria: ACMG Guidelines, 2015. Collection method: clinical testing. Allele origin: unknown.

Laboratory of Medical Genetics, National & Kapodistrian University of Athens
Classification: Pathogenic for Argininosuccinate lyase deficiency. Last evaluated: 2024-02-01. Review status: criteria provided, single submitter. Criteria: ACMG Guidelines, 2015. Collection method: curation. Allele origin: germline. Affected: no.

GeneDx
Classification: Uncertain significance. Last evaluated: 2023-08-11. Review status: criteria provided, single submitter. Criteria: GeneDx Variant Classification Process June 2021. Collection method: clinical testing. Allele origin: germline. Affected: yes.
Comment: Functional studies found this variant is associated with only a slight reduction of mRNA expression and retains significant enzyme activity, approximately 60%, compared to wild-type (Zielonka M et al., 2020); Observed with a second variant in the ASL gene in asymptomatic individuals identified by newborn screening (Balmer C et al., 2014; Zielonka M et al., 2020); Not observed at significant frequency in large population cohorts (gnomAD); In silico analysis is inconclusive as to whether the variant alters gene splicing. In the absence of RNA/functional studies, the actual effect of this sequence change is unknown.; In silico analysis supports that this missense variant has a deleterious effect on protein structure/function; This variant is associated with the following publications: (PMID: 34426522, 31943503, 24166829, 21744316)

Women's Health and Genetics/Laboratory Corporation of America, LabCorp
Classification: Pathogenic for Argininosuccinate lyase deficiency. Last evaluated: 2023-03-16. Review status: criteria provided, single submitter. Criteria: LabCorp Variant Classification Summary - May 2015. Collection method: clinical testing. Allele origin: germline.
Comment: Variant summary: ASL c.571C>T (p.Arg191Trp) results in a non-conservative amino acid change located in the Fumarate lyase, N-terminal domain (IPR022761) of the encoded protein sequence. Four of five in-silico tools predict a damaging effect of the variant on protein function. The variant allele was found at a frequency of 7.7e-05 in 207286 control chromosomes, predominantly at a frequency of 0.00014 within the Non-Finnish European subpopulation in the gnomAD database. This frequency is not significantly higher than estimated for a pathogenic variant in ASL causing Argininosuccinic Aciduria (7.7e-05 vs 0.0042), allowing no conclusion about variant significance. c.571C>T has been reported in the literature in multiple compound heterozygous and homozygous individuals affected with Argininosuccinic Aciduria (Grioni_2011, Balmer_2014, Zielonka_2020). These data indicate that the variant is very likely to be associated with disease. At least one publication reports experimental evidence evaluating an impact on protein function. The most pronounced variant effect results in ~60% of normal activity (Zielonka_2020). Four ClinVar submitters (evaluation after 2014) cite this variant as uncertain significance (n=2), likely pathogenic (n=1) and pathogenic (n=1). Based on the evidence outlined above, the variant was classified as pathogenic.

Revvity Omics, Revvity
Classification: Likely pathogenic for Argininosuccinate lyase deficiency. Last evaluated: 2021-12-28. Review status: criteria provided, single submitter. Criteria: ACMG Guidelines, 2015. Collection method: clinical testing. Allele origin: germline.

Center for Pediatric Genomic Medicine, Children's Mercy Hospital and Clinics
Classification: Uncertain significance. Last evaluated: 2017-02-22. Review status: criteria provided, single submitter. Criteria: ACMG Guidelines, 2015. Collection method: clinical testing. Allele origin: germline.

Natera, Inc.
Classification: Uncertain significance for Argininosuccinate lyase deficiency. Last evaluated: 2020-08-07. Review status: no assertion criteria provided. Collection method: clinical testing. Allele origin: germline. Not counted in ClinVar's aggregate classification.

Literature cited by the submitters: PubMed 21744316 (cited by Labcorp Genetics (formerly Invitae), Labcorp and Women's Health and Genetics/Laboratory Corporation of America, LabCorp); PubMed 24166829 (cited by Labcorp Genetics (formerly Invitae), Labcorp and Women's Health and Genetics/Laboratory Corporation of America, LabCorp); PubMed 31943503 (cited by Labcorp Genetics (formerly Invitae), Labcorp and Women's Health and Genetics/Laboratory Corporation of America, LabCorp).

NM_000048.4(ASL):c.571C>T (p.Arg191Trp)

Gene: ASL (argininosuccinate lyase; plus strand). Cytogenetic location: 7q11.21.
Variant type: single nucleotide variant.
Coding change: c.571C>T on transcript NM_000048.4 (MANE Select); coding-DNA position 571, C replaced by T.
Protein change: p.Arg191Trp; replaces arginine 191 with tryptophan.
Molecular consequence: missense variant. On other transcripts: intron variant (1).
Genome position (GRCh38, 1-based): chr7:66,086,790, C>T. VCF-style: chr7-66086790-C-T. GRCh37 (hg19) VCF-style: chr7-65551777-C-T.
Other names: c.571C>T, p.Arg191Trp (NM_001024943.2, NM_001024944.2); c.524+128C>T (NM_001024946.2); short protein forms R191W.
Identifiers: ClinVar variation 445881 (VCV000445881.20), dbSNP rs143508372, ClinGen allele CA4277007.